The following is an entry in ClinVar:

ClinVar aggregate classification (germline): Uncertain significance. Review status: criteria provided, multiple submitters, no conflicts (2 of 4 stars). 4 submissions from 4 submitters: Uncertain significance (4). Last evaluated 2026-01-25.

Conditions:
Inborn genetic diseases. Identifiers: MedGen C0950123, MeSH D030342.
Pseudohypoaldosteronism type 2C (PHA2C). Also called: Pseudohypoaldosteronism Type IIC. Identifiers: Orphanet 757, Orphanet 88940, MedGen C1840391, MONDO:0013778, OMIM 614492.
Neuropathy, hereditary sensory and autonomic, type 2A (HSAN2A). Also called: ACROOSTEOLYSIS, GIACCAI TYPE; ACROOSTEOLYSIS, NEUROGENIC; MORVAN DISEASE; NEUROPATHY, CONGENITAL SENSORY; NEUROPATHY, HEREDITARY SENSORY RADICULAR, AUTOSOMAL RECESSIVE; NEUROPATHY, HEREDITARY SENSORY, TYPE IIA. Identifiers: Orphanet 970, MedGen C2752089, MONDO:0024309, OMIM 201300.

Allele frequency attached by ClinVar (database versions not stated): gnomAD exomes 0.00003; TOPMed 0.00014; gnomAD 0.00016 and 0.00017; ExAC 0.00021.
gnomAD v4.1: 69 of 1,513,272 alleles (0.0046%); highest among the groups gnomAD compares: African/African-American, 0.032%; no homozygotes.

Submissions (4):

Labcorp Genetics (formerly Invitae), Labcorp
Classification: Uncertain significance for Neuropathy, hereditary sensory and autonomic, type 2A; Pseudohypoaldosteronism type 2C. Last evaluated: 2026-01-25. Review status: criteria provided, single submitter. Criteria: Invitae Variant Classification Sherloc (09022015). Collection method: clinical testing. Allele origin: germline.
Comment: This sequence change replaces arginine, which is basic and polar, with cysteine, which is neutral and slightly polar, at codon 715 of the WNK1 protein (p.Arg715Cys). This variant is present in population databases (rs772257923, gnomAD 0.01%). This variant has not been reported in the literature in individuals affected with WNK1-related conditions. ClinVar contains an entry for this variant (Variation ID: 1014203). Invitae Evidence Modeling of protein sequence and biophysical properties (such as structural, functional, and spatial information, amino acid conservation, physicochemical variation, residue mobility, and thermodynamic stability) indicates that this missense variant is not expected to disrupt WNK1 protein function with a negative predictive value of 95%. In summary, the available evidence is currently insufficient to determine the role of this variant in disease. Therefore, it has been classified as a Variant of Uncertain Significance.

Mayo Clinic Laboratories, Mayo Clinic
Classification: Uncertain significance. Last evaluated: 2023-04-20. Review status: criteria provided, single submitter. Criteria: ACMG Guidelines, 2015. Collection method: clinical testing. Allele origin: germline. Observed: 1 variant allele.
Comment: BP4, PM2

Fulgent Genetics
Classification: Uncertain significance for Neuropathy, hereditary sensory and autonomic, type 2A; Pseudohypoaldosteronism type 2C. Last evaluated: 2022-04-07. Review status: criteria provided, single submitter. Criteria: ACMG Guidelines, 2015. Collection method: clinical testing. Allele origin: unknown.

Ambry Genetics
Classification: Uncertain significance for Inborn genetic diseases. Last evaluated: 2019-12-31. Review status: criteria provided, single submitter. Criteria: Ambry Variant Classification Scheme 2023. Collection method: clinical testing. Allele origin: germline.
Comment: The p.R715C variant (also known as c.2143C>T), located in coding exon 9 of the WNK1 gene, results from a C to T substitution at nucleotide position 2143. The arginine at codon 715 is replaced by cysteine, an amino acid with highly dissimilar properties. This amino acid position is not well conserved in available vertebrate species. In addition, the in silico prediction for this alteration is inconclusive. Since supporting evidence is limited at this time, the clinical significance of this alteration remains unclear.

NM_213655.5(WNK1):c.2143C>T (p.Arg715Cys)

Gene: WNK1 (WNK lysine deficient protein kinase 1; plus strand). Cytogenetic location: 12p13.33.
Variant type: single nucleotide variant.
Coding change: c.2143C>T on transcript NM_213655.5 (MANE Plus Clinical); coding-DNA position 2143, C replaced by T.
Protein change: p.Arg715Cys; replaces arginine 715 with cysteine.
Molecular consequence: missense variant. On other transcripts: intron variant (3).
Genome position (GRCh38, 1-based): chr12:865,113, C>T. VCF-style: chr12-865113-C-T. GRCh37 (hg19) VCF-style: chr12-974279-C-T.
Other names: p.Arg715Cys; c.2140-2753C>T (NM_001184985.2); c.2139+2843C>T (NM_018979.4, NM_014823.3); short protein forms R715C.
Identifiers: ClinVar variation 1014203 (VCV001014203.12), dbSNP rs772257923, ClinGen allele CA6382121.